The following is an entry in ClinVar:

ClinVar aggregate classification (germline): Uncertain significance (1 of 4 stars; one submission).

Submission:

Labcorp Genetics (formerly Invitae), Labcorp
Classification: Uncertain significance. Last evaluated: 2020-03-05. Review status: criteria provided, single submitter. Criteria: Invitae Variant Classification Sherloc (09022015). Collection method: clinical testing. Allele origin: germline.
Comment: This sequence change replaces proline with threonine at codon 101 of the PLA2G5 protein (p.Pro101Thr). The proline residue is weakly conserved and there is a small physicochemical difference between proline and threonine. This variant is not present in population databases (ExAC no frequency). This variant has not been reported in the literature in individuals with PLA2G5-related conditions. Algorithms developed to predict the effect of missense changes on protein structure and function output the following: SIFT: "Tolerated"; PolyPhen-2: "Benign"; Align-GVGD: "Class C0". The threonine amino acid residue is found in multiple mammalian species, suggesting that this missense change does not adversely affect protein function. These predictions have not been confirmed by published functional studies and their clinical significance is uncertain. In summary, the available evidence is currently insufficient to determine the role of this variant in disease. Therefore, it has been classified as a Variant of Uncertain Significance.

NM_000929.3(PLA2G5):c.301C>A (p.Pro101Thr)

Gene: PLA2G5 (phospholipase A2 group V; plus strand). Cytogenetic location: 1p36.13.
Variant type: single nucleotide variant.
Coding change: c.301C>A on transcript NM_000929.3 (MANE Select); coding-DNA position 301, C replaced by A.
Protein change: p.Pro101Thr; replaces proline 101 with threonine.
Molecular consequence: missense variant.
Genome position (GRCh38, 1-based): chr1:20,090,576, C>A. VCF-style: chr1-20090576-C-A. GRCh37 (hg19) VCF-style: chr1-20417069-C-A.
Other names: short protein forms P101T.
Identifiers: ClinVar variation 1009314 (VCV001009314.8), dbSNP rs546917220, ClinGen allele CA338822603.